The following is an entry in ClinVar:

ClinVar aggregate classification (germline): Benign. Review status: criteria provided, multiple submitters, no conflicts (2 of 4 stars). 3 submissions from 3 submitters: Benign (3). Last evaluated 2018-06-26.

Conditions:
Nail-patella syndrome (NPS). Also called: FONG DISEASE; ONYCHOOSTEODYSPLASIA; TURNER-KIESER SYNDROME. Identifiers: Orphanet 2614, MedGen C0027341, MONDO:0008061, OMIM 161200.

Allele frequency attached by ClinVar (database versions not stated): gnomAD 0.06554; 1000 Genomes Project 0.07708; TOPMed 0.07993; ESP Exome Variant Server 0.08094; 1000 Genomes Project 30x 0.08198.
gnomAD v4.1: 21,086 of 1,613,200 alleles (1.3%); highest among the groups gnomAD compares: African/African-American, 25%; 2,422 homozygotes.

Submissions (3):

GeneDx
Classification: Benign. Last evaluated: 2018-06-26. Review status: criteria provided, single submitter. Criteria: GeneDx Variant Classification Process June 2021. Collection method: clinical testing. Allele origin: germline. Affected: yes.

Illumina Laboratory Services, Illumina
Classification: Benign for Nail-patella syndrome. Last evaluated: 2018-01-12. Review status: criteria provided, single submitter. Criteria: ICSL Variant Classification Criteria 13 December 2019. Collection method: clinical testing. Allele origin: germline.
Comment: This variant was observed in the ICSL laboratory as part of a predisposition screen in an ostensibly healthy population. It had not been previously curated by ICSL or reported in the Human Gene Mutation Database (HGMD: prior to June 1st, 2018), and was therefore a candidate for classification through an automated scoring system. Utilizing variant allele frequency, disease prevalence and penetrance estimates, and inheritance mode, an automated score was calculated to assess if this variant is too frequent to cause the disease. Based on the score and internal cut-off values, a variant classified as benign is not then subjected to further curation. The score for this variant resulted in a classification of benign for this disease.

Breakthrough Genomics
Classification: Benign. Review status: criteria provided, single submitter. Criteria: ACMG Guidelines, 2015. Collection method: not provided. Allele origin: germline. Inheritance: Autosomal dominant inheritance. Affected: yes.

NM_001174147.2(LMX1B):c.*27G>A

Gene: LMX1B (LIM homeobox transcription factor 1 beta; plus strand). Cytogenetic location: 9q33.3.
Variant type: single nucleotide variant.
Coding change: c.*27G>A on transcript NM_001174147.2 (MANE Select); 27 bases downstream of the stop codon, G replaced by A.
Molecular consequence: 3 prime UTR variant.
Genome position (GRCh38, 1-based): chr9:126,696,478, G>A. VCF-style: chr9-126696478-G-A. GRCh37 (hg19) VCF-style: chr9-129458757-G-A.
Other names: c.*27G>A (NM_001174146.2, NM_002316.4).
Identifiers: ClinVar variation 364890 (VCV000364890.7), dbSNP rs10115373, ClinGen allele CA5242599.